The following is an entry in ClinVar:

NM_138295.5(PKD1L1):c.6923A>C (p.Asp2308Ala)

Gene: PKD1L1 (polycystin 1 like 1, transient receptor potential channel interacting; minus strand). Cytogenetic location: 7p12.3.
Variant type: single nucleotide variant.
Coding change: c.6923A>C on transcript NM_138295.5 (MANE Select); coding-DNA position 6923, A replaced by C.
Protein change: p.Asp2308Ala; replaces aspartic acid 2308 with alanine.
Molecular consequence: missense variant.
Genome position (GRCh38, 1-based): chr7:47,821,118, T>G on the plus strand (A>C on the coding strand, the complement: PKD1L1 is on the minus strand). VCF-style: chr7-47821118-T-G. GRCh37 (hg19) VCF-style: chr7-47860716-T-G.
Other names: short protein forms D2308A.
Identifiers: ClinVar variation 4992631 (VCV004992631.1).
Genomic context (GRCh38, chr7:47,821,118, plus strand): 5'-GTTACCCAAACCTCCTACCTTGTAAATTCTTTCCGGATAGCTTGATTGAGGGAGTATTCA[T>G]CTTGGGAAAATCTCCCATATATTACACACAAAAGCAGAAGCAGCATGAGGATGTCCATGG-3'
Protein context (NP_612152.1, residues 2298-2318): LCVIYGRFSQ[Asp2308Ala]EYSLNQAIRK

ClinVar aggregate classification (germline): Uncertain significance (1 of 4 stars; one submission).

Conditions:
PKD1L1-related disorder. Also called: PKD1L1-related condition.

Submission:

PreventionGenetics, part of Exact Sciences
Classification: Uncertain significance for PKD1L1-related condition. Last evaluated: 2025-10-13. Review status: criteria provided, single submitter. Criteria: ACMG Guidelines, 2015. Collection method: clinical testing. Allele origin: germline.
Comment: The PKD1L1 c.6923A>C variant is predicted to result in the amino acid substitution p.Asp2308Ala. To our knowledge, this variant has not been reported in the literature or in a large population database (gnomAD), indicating this variant is rare. At this time, the clinical significance of this variant is uncertain due to the absence of conclusive functional and genetic evidence.